The following is an entry in ClinVar:

NM_015272.5(RPGRIP1L):c.3491C>T (p.Thr1164Ile)

Gene: RPGRIP1L (RPGRIP1 like; minus strand). Cytogenetic location: 16q12.2.
Variant type: single nucleotide variant.
Coding change: c.3491C>T on transcript NM_015272.5 (MANE Select); coding-DNA position 3491, C replaced by T.
Protein change: p.Thr1164Ile; replaces threonine 1164 with isoleucine.
Molecular consequence: missense variant.
Genome position (GRCh38, 1-based): chr16:53,619,150, G>A on the plus strand (C>T on the coding strand, the complement: RPGRIP1L is on the minus strand). VCF-style: chr16-53619150-G-A. GRCh37 (hg19) VCF-style: chr16-53653062-G-A.
Other names: c.3251C>T, p.Thr1084Ile (NM_001127897.4); c.3353C>T, p.Thr1118Ile (NM_001308334.3); c.3389C>T, p.Thr1130Ile (NM_001330538.2); short protein forms T1164I, T1084I, T1118I, T1130I.
Identifiers: ClinVar variation 1422799 (VCV001422799.5), dbSNP rs745796721, ClinGen allele CA8057271.

ClinVar aggregate classification (germline): Uncertain significance (1 of 4 stars; one submission).

Conditions:
Joubert syndrome. Also called: CEREBELLOPARENCHYMAL DISORDER IV; JOUBERT-BOLTSHAUSER SYNDROME; Familial aplasia of the vermis. Identifiers: Orphanet 475, MedGen C5979921, MONDO:0018772.
Meckel-Gruber syndrome. Also called: DYSENCEPHALIA SPLANCHNOCYSTICA; GRUBER SYNDROME; Dysencephalia splachnocystica. Identifiers: Orphanet 564, MedGen C0265215, MONDO:0018921.

Allele frequency attached by ClinVar (database versions not stated): gnomAD exomes below 0.00001; ExAC 0.00001; gnomAD 0.00001; TOPMed 0.00001.
gnomAD v4.1: 3 of 1,613,768 alleles (0.00019%); highest among the groups gnomAD compares: Admixed American, 0.0033%; no homozygotes.

Submission:

Labcorp Genetics (formerly Invitae), Labcorp
Classification: Uncertain significance for Joubert syndrome; Meckel-Gruber syndrome. Last evaluated: 2024-12-02. Review status: criteria provided, single submitter. Criteria: Invitae Variant Classification Sherloc (09022015). Collection method: clinical testing. Allele origin: germline.
Comment: This sequence change replaces threonine, which is neutral and polar, with isoleucine, which is neutral and non-polar, at codon 1164 of the RPGRIP1L protein (p.Thr1164Ile). This variant is present in population databases (rs745796721, gnomAD 0.007%). This variant has not been reported in the literature in individuals affected with RPGRIP1L-related conditions. ClinVar contains an entry for this variant (Variation ID: 1422799). Invitae Evidence Modeling of protein sequence and biophysical properties (such as structural, functional, and spatial information, amino acid conservation, physicochemical variation, residue mobility, and thermodynamic stability) indicates that this missense variant is not expected to disrupt RPGRIP1L protein function with a negative predictive value of 80%. In summary, the available evidence is currently insufficient to determine the role of this variant in disease. Therefore, it has been classified as a Variant of Uncertain Significance.